The following is an entry in ClinVar:

ClinVar aggregate classification (germline): Conflicting classifications of pathogenicity. Review status: criteria provided, conflicting classifications (1 of 4 stars). 4 submissions from 3 submitters: Uncertain significance (3); Likely benign (1). Last evaluated 2024-12-19.

Conditions:
Congenital stationary night blindness autosomal dominant 1. Also called: NIGHT BLINDNESS, CONGENITAL STATIONARY, RHODOPSIN-RELATED. Identifiers: Orphanet 215, MedGen C1864869, MONDO:0012498, OMIM 610445.
RHO-related disorder. Also called: RHO-related condition.
Retinitis pigmentosa (RP). Identifiers: Orphanet 791, MedGen C0035334, MeSH D012174, MONDO:0019200, OMIM 268000. Inheritance: Autosomal dominant, autosomal recessive and X linked inheritance.

Allele frequency attached by ClinVar (database versions not stated): gnomAD 0.00001; gnomAD exomes 0.00002; TOPMed 0.00002; ExAC 0.00003; 1000 Genomes Project 30x 0.00016; 1000 Genomes Project 0.00020.

Submissions (4):

PreventionGenetics, part of Exact Sciences
Classification: Uncertain significance for RHO-related condition. Last evaluated: 2024-12-19. Review status: criteria provided, single submitter. Criteria: ACMG Guidelines, 2015. Collection method: clinical testing. Allele origin: germline.
Comment: The RHO c.62G>A variant is predicted to result in the amino acid substitution p.Arg21His. To our knowledge, this variant has not been reported in the literature. This variant is reported in 0.0062% of alleles in individuals of African descent in gnomAD. At this time, the clinical significance this variant is uncertain due to the absence of conclusive functional and genetic evidence.

Labcorp Genetics (formerly Invitae), Labcorp
Classification: Uncertain significance. Last evaluated: 2023-11-07. Review status: criteria provided, single submitter. Criteria: Invitae Variant Classification Sherloc (09022015). Collection method: clinical testing. Allele origin: germline.
Comment: This sequence change replaces arginine, which is basic and polar, with histidine, which is basic and polar, at codon 21 of the RHO protein (p.Arg21His). This variant is present in population databases (rs552455660, gnomAD 0.007%). This variant has not been reported in the literature in individuals affected with RHO-related conditions. ClinVar contains an entry for this variant (Variation ID: 900392). Advanced modeling of protein sequence and biophysical properties (such as structural, functional, and spatial information, amino acid conservation, physicochemical variation, residue mobility, and thermodynamic stability) performed at Invitae indicates that this missense variant is expected to disrupt RHO protein function with a positive predictive value of 80%. In summary, the available evidence is currently insufficient to determine the role of this variant in disease. Therefore, it has been classified as a Variant of Uncertain Significance.

Illumina Laboratory Services, Illumina
Classification: Uncertain significance for Retinitis pigmentosa. Last evaluated: 2018-01-12. Review status: criteria provided, single submitter. Criteria: ICSL Variant Classification Criteria 13 December 2019. Collection method: clinical testing. Allele origin: germline.

Illumina Laboratory Services, Illumina
Classification: Likely benign for Congenital stationary night blindness autosomal dominant 1. Last evaluated: 2018-01-12. Review status: criteria provided, single submitter. Criteria: ICSL Variant Classification Criteria 13 December 2019. Collection method: clinical testing. Allele origin: germline.
Comment: This variant was observed in the ICSL laboratory as part of a predisposition screen in an ostensibly healthy population. It had not been previously curated by ICSL or reported in the Human Gene Mutation Database (HGMD: prior to June 1st, 2018), and was therefore a candidate for classification through an automated scoring system. Utilizing variant allele frequency, disease prevalence and penetrance estimates, and inheritance mode, an automated score was calculated to assess if this variant is too frequent to cause the disease. Based on the score and internal cut-off values, a variant classified as likely benign is not then subjected to further curation. The score for this variant resulted in a classification of likely benign for this disease.

NM_000539.3(RHO):c.62G>A (p.Arg21His)

Gene: RHO (rhodopsin; plus strand). Cytogenetic location: 3q22.1.
Variant type: single nucleotide variant.
Coding change: c.62G>A on transcript NM_000539.3 (MANE Select); coding-DNA position 62, G replaced by A.
Protein change: p.Arg21His; replaces arginine 21 with histidine.
Molecular consequence: missense variant.
Genome position (GRCh38, 1-based): chr3:129,528,795, G>A. VCF-style: chr3-129528795-G-A. GRCh37 (hg19) VCF-style: chr3-129247638-G-A.
Other names: short protein forms R21H.
Identifiers: ClinVar variation 900392 (VCV000900392.10), dbSNP rs552455660, ClinGen allele CA2607052.
Genomic context (GRCh38, chr3:129,528,795, plus strand): 5'-TGAATGGCACAGAAGGCCCTAACTTCTACGTGCCCTTCTCCAATGCGACGGGTGTGGTAC[G>A]CAGCCCCTTCGAGTACCCACAGTACTACCTGGCTGAGCCATGGCAGTTCTCCATGCTGGC-3'
Protein context (NP_000530.1, residues 11-31): VPFSNATGVV[Arg21His]SPFEYPQYYL